The following is an entry in ClinVar:

NM_001379081.2(FREM1):c.4990G>A (p.Glu1664Lys)

Gene: FREM1 (FRAS1 related extracellular matrix 1; minus strand). Cytogenetic location: 9p22.3.
Variant type: single nucleotide variant.
Coding change: c.4990G>A on transcript NM_001379081.2 (MANE Select); coding-DNA position 4990, G replaced by A.
Protein change: p.Glu1664Lys; replaces glutamic acid 1664 with lysine.
Molecular consequence: missense variant. On other transcripts: non-coding transcript variant (2).
Genome position (GRCh38, 1-based): chr9:14,770,674, C>T on the plus strand (G>A on the coding strand, the complement: FREM1 is on the minus strand). VCF-style: chr9-14770674-C-T. GRCh37 (hg19) VCF-style: chr9-14770672-C-T.
Other names: c.598G>A, p.Glu200Lys (NM_001177704.3, NM_001370058.2, NM_001370061.2); c.4990G>A, p.Glu1664Lys (NM_144966.7); short protein forms E1664K, E200K.
Identifiers: ClinVar variation 2067294 (VCV002067294.4), dbSNP rs1163922159, ClinGen allele CA372962878.
Genomic context (GRCh38, chr9:14,770,674, plus strand): 5'-TGTTCTCCAGATGTCCATGTTTTGGGCCTTGTAGAATTTTAAAGATGATCTGATCGTCCT[C>T]AGTGTCAGGGTCTGATGCCTTCAACACGCGGGAAGTGATGTAAATCCCGTAGCAGCCATT-3'
Protein context (NP_001366010.1, residues 1654-1674): RVLKASDPDT[Glu1664Lys]DDQIIFKILQ

ClinVar aggregate classification (germline): Uncertain significance (1 of 4 stars; one submission).

Allele frequency attached by ClinVar (database versions not stated): TOPMed 0.00001; gnomAD exomes 0.00002.
gnomAD v4.1: 26 of 1,613,474 alleles (0.0016%); highest among the groups gnomAD compares: Middle Eastern, 0.017%; no homozygotes.

Submission:

Labcorp Genetics (formerly Invitae), Labcorp
Classification: Uncertain significance. Last evaluated: 2022-02-06. Review status: criteria provided, single submitter. Criteria: Invitae Variant Classification Sherloc (09022015). Collection method: clinical testing. Allele origin: germline.
Comment: This sequence change replaces glutamic acid, which is acidic and polar, with lysine, which is basic and polar, at codon 1664 of the FREM1 protein (p.Glu1664Lys). This variant is present in population databases (no rsID available, gnomAD 0.006%). In summary, the available evidence is currently insufficient to determine the role of this variant in disease. Therefore, it has been classified as a Variant of Uncertain Significance. Algorithms developed to predict the effect of missense changes on protein structure and function output the following: SIFT: "Tolerated"; PolyPhen-2: "Benign"; Align-GVGD: "Class C0". The lysine amino acid residue is found in multiple mammalian species, which suggests that this missense change does not adversely affect protein function. This variant has not been reported in the literature in individuals affected with FREM1-related conditions.